The following is an entry in ClinVar:

NM_144599.5(NIPA1):c.907G>C (p.Val303Leu)

Gene: NIPA1 (NIPA magnesium transporter 1; plus strand). Cytogenetic location: 15q11.2.
Variant type: single nucleotide variant.
Coding change: c.907G>C on transcript NM_144599.5 (MANE Select); coding-DNA position 907, G replaced by C.
Protein change: p.Val303Leu; replaces valine 303 with leucine.
Molecular consequence: missense variant.
Genome position (GRCh38, 1-based): chr15:22,824,156, G>C. VCF-style: chr15-22824156-G-C. GRCh37 (hg19) VCF-style: chr15-23048912-C-G.
Other names: c.682G>C, p.Val228Leu (NM_001142275.1); short protein forms V228L, V303L.
Identifiers: ClinVar variation 2847326 (VCV002847326.3), dbSNP rs765591536, ClinGen allele CA7425973.
Genomic context (GRCh38, chr15:22,824,156, plus strand): 5'-TGGAGCAACGTGGGCCTGGTGGACTTCTTGGGGATGGCCTGTGGATTCACGACCGTCTCC[G>C]TGGGGATTGTCCTTATACAGGTGTTCAAAGAGTTCAATTTCAACCTTGGGGAGATGAACA-3'
Protein context (NP_653200.2, residues 293-313): GMACGFTTVS[Val303Leu]GIVLIQVFKE

ClinVar aggregate classification (germline): Uncertain significance (1 of 4 stars; one submission).

Conditions:
Hereditary spastic paraplegia 6 (SPG6). Also called: SPASTIC PARAPLEGIA 6, AUTOSOMAL DOMINANT. Identifiers: Orphanet 100988, MedGen C1838192, MONDO:0010878, OMIM 600363.

gnomAD v4.1: 5 of 1,613,402 alleles (0.00031%); highest among the groups gnomAD compares: South Asian, 0.0011%; no homozygotes.

Submission:

Labcorp Genetics (formerly Invitae), Labcorp
Classification: Uncertain significance for Hereditary spastic paraplegia 6. Last evaluated: 2024-11-05. Review status: criteria provided, single submitter. Criteria: Invitae Variant Classification Sherloc (09022015). Collection method: clinical testing. Allele origin: germline.
Comment: This sequence change replaces valine, which is neutral and non-polar, with leucine, which is neutral and non-polar, at codon 303 of the NIPA1 protein (p.Val303Leu). This variant is present in population databases (rs765591536, gnomAD 0.0009%). This variant has not been reported in the literature in individuals affected with NIPA1-related conditions. ClinVar contains an entry for this variant (Variation ID: 2847326). An algorithm developed to predict the effect of missense changes on protein structure and function (PolyPhen-2) suggests that this variant is likely to be tolerated. In summary, the available evidence is currently insufficient to determine the role of this variant in disease. Therefore, it has been classified as a Variant of Uncertain Significance.